The following is an entry in ClinVar:

ClinVar aggregate classification (germline): Benign/Likely benign. Review status: criteria provided, multiple submitters, no conflicts (2 of 4 stars). 2 submissions from 2 submitters: Benign (1); Likely benign (1). Last evaluated 2025-09-11.

Conditions:
Coffin-Lowry syndrome (CLS). Also called: Mental retardation with osteocartilaginous abnormalities; COFFIN-LOWRY SYNDROME, MILD. Identifiers: Orphanet 192, MedGen C0265252, MONDO:0010561, OMIM 303600.
Intellectual developmental disorder, X-linked 19. Also called: Intellectual disability, X-linked 19. Identifiers: Orphanet 777, MedGen C0796225, MONDO:0010447, OMIM 300844.
RPS6KA3-related disorder. Also called: RPS6KA3-related condition.

gnomAD v4.1: 7 of 1,198,755 alleles (0.00058%); highest among the groups gnomAD compares: Non-Finnish European, 0.00068%; no homozygotes.

Submissions (2):

PreventionGenetics, part of Exact Sciences
Classification: Likely benign for RPS6KA3-related condition. Last evaluated: 2025-09-11. Review status: criteria provided, single submitter. Criteria: ACMG Guidelines, 2015. Collection method: clinical testing. Allele origin: germline.
Comment: This variant is classified as likely benign based on ACMG/AMP sequence variant interpretation guidelines (Richards et al. 2015 PMID: 25741868, with internal and published modifications).

Labcorp Genetics (formerly Invitae), Labcorp
Classification: Benign for Coffin-Lowry syndrome; Intellectual developmental disorder, X-linked 19. Last evaluated: 2024-07-01. Review status: criteria provided, single submitter. Criteria: Invitae Variant Classification Sherloc (09022015). Collection method: clinical testing. Allele origin: germline.

NM_004586.3(RPS6KA3):c.1035A>G (p.Lys345=)

Gene: RPS6KA3 (ribosomal protein S6 kinase A3; minus strand). Cytogenetic location: Xp22.12.
Variant type: single nucleotide variant.
Coding change: c.1035A>G on transcript NM_004586.3 (MANE Select); coding-DNA position 1035, A replaced by G.
Protein change: p.Lys345=; no amino-acid change (lysine 345 retained).
Molecular consequence: synonymous variant.
Genome position (GRCh38, 1-based): chrX:20,176,317, T>C on the plus strand (A>G on the coding strand, the complement: RPS6KA3 is on the minus strand). VCF-style: chrX-20176317-T-C. GRCh37 (hg19) VCF-style: chrX-20194435-T-C.
Other names: c.1035A>G (NM_004586.2).
Identifiers: ClinVar variation 3760928 (VCV003760928.3).